The following is an entry in ClinVar:

NM_006031.6(PCNT):c.6922-4A>G

Gene: PCNT (pericentrin; plus strand). Cytogenetic location: 21q22.3.
Variant type: single nucleotide variant.
Coding change: c.6922-4A>G on transcript NM_006031.6 (MANE Select); 4 bases into the intron before coding-DNA position 6922, A replaced by G.
Molecular consequence: intron variant.
Genome position (GRCh38, 1-based): chr21:46,418,200, A>G. VCF-style: chr21-46418200-A-G. GRCh37 (hg19) VCF-style: chr21-47838114-A-G.
Other names: c.6568-4A>G (NM_001315529.2); c.6922-4A>G (NM_006031.5).
Identifiers: ClinVar variation 1309261 (VCV001309261.8), dbSNP rs587784317, ClinGen allele CA638199182.
Genomic context (GRCh38, chr21:46,418,200, plus strand): 5'-GGCAAAGTCAGCGCTATGATGTAATTACTCATTATTTTATGACCATTTAAAAATCTCTTA[A>G]CAGGAGAAAGATGTCGAAGATTTTATCACAACATCCTTTGATTCTCAAGAAACATTAAGT-3'

ClinVar aggregate classification (germline): Uncertain significance. Review status: criteria provided, multiple submitters, no conflicts (2 of 4 stars). 3 submissions from 3 submitters: Uncertain significance (2). 1 of the submissions does not count toward it. Last evaluated 2025-03-31.

Conditions:
PCNT-related disorder. Also called: PCNT-related condition.

Allele frequency attached by ClinVar (database versions not stated): gnomAD 0.00005; TOPMed 0.00009.
gnomAD v4.1: 13 of 1,538,948 alleles (0.00084%); highest among the groups gnomAD compares: Admixed American, 0.022%; no homozygotes.

Submissions (3):

GeneDx
Classification: Uncertain significance. Last evaluated: 2025-03-31. Review status: criteria provided, single submitter. Criteria: GeneDx Variant Classification Process June 2021. Collection method: clinical testing. Allele origin: germline. Affected: yes.
Comment: Has not been previously published as pathogenic or benign to our knowledge; Not observed at a significant frequency in large population cohorts (gnomAD); In silico analysis supports a deleterious effect on splicing

Labcorp Genetics (formerly Invitae), Labcorp
Classification: Uncertain significance. Last evaluated: 2022-03-29. Review status: criteria provided, single submitter. Criteria: Invitae Variant Classification Sherloc (09022015). Collection method: clinical testing. Allele origin: germline.
Comment: This sequence change falls in intron 30 of the PCNT gene. It does not directly change the encoded amino acid sequence of the PCNT protein. This variant is present in population databases (no rsID available, gnomAD 0.006%). This variant has not been reported in the literature in individuals affected with PCNT-related conditions. ClinVar contains an entry for this variant (Variation ID: 1309261). Algorithms developed to predict the effect of sequence changes on RNA splicing suggest that this variant may create or strengthen a splice site. In summary, the available evidence is currently insufficient to determine the role of this variant in disease. Therefore, it has been classified as a Variant of Uncertain Significance.

PreventionGenetics, part of Exact Sciences
Classification: Uncertain significance for PCNT-related condition. Last evaluated: 2023-12-28. Review status: no assertion criteria provided. Collection method: clinical testing. Allele origin: germline. Not counted in ClinVar's aggregate classification.
Comment: The PCNT c.6922-4A>G variant is predicted to interfere with splicing. This variant is predicted to alter splicing based on available splicing prediction programs (Alamut Visual Plus v1.6.1). However, the use of computer prediction programs is not equivalent to functional evidence. To our knowledge, this variant has not been reported in the literature. This variant is reported in 0.0058% of alleles in individuals of Latino descent in gnomAD. At this time, the clinical significance of this variant is uncertain due to the absence of conclusive functional and genetic evidence.